The following is an entry in ClinVar:

NM_152703.5(SAMD9L):c.3196G>A (p.Asp1066Asn)

Gene: SAMD9L (sterile alpha motif domain containing 9 like; minus strand). Cytogenetic location: 7q21.2.
Variant type: single nucleotide variant.
Coding change: c.3196G>A on transcript NM_152703.5 (MANE Select); coding-DNA position 3196, G replaced by A.
Protein change: p.Asp1066Asn; replaces aspartic acid 1066 with asparagine.
Molecular consequence: missense variant.
Genome position (GRCh38, 1-based): chr7:93,132,776, C>T on the plus strand (G>A on the coding strand, the complement: SAMD9L is on the minus strand). VCF-style: chr7-93132776-C-T. GRCh37 (hg19) VCF-style: chr7-92762089-C-T.
Other names: c.3196G>A, p.Asp1066Asn (NM_001303496.3, NM_001303497.3, NM_001303498.3 and 5 more transcripts); c.3196G>A (NM_152703.2); short protein forms D1066N.
Identifiers: ClinVar variation 1950297 (VCV001950297.7), dbSNP rs1365483356, ClinGen allele CA368184323.

ClinVar aggregate classification (germline): Uncertain significance. Review status: criteria provided, multiple submitters, no conflicts (2 of 4 stars). 3 submissions from 3 submitters: Uncertain significance (3). Last evaluated 2025-09-03.

Conditions:
Inborn genetic diseases. Identifiers: MedGen C0950123, MeSH D030342.

Allele frequency attached by ClinVar (database versions not stated): gnomAD exomes below 0.00001.
gnomAD v4.1: 2 of 1,613,688 alleles (0.00012%); highest among the groups gnomAD compares: South Asian, 0.0011%; no homozygotes.

Submissions (3):

Labcorp Genetics (formerly Invitae), Labcorp
Classification: Uncertain significance. Last evaluated: 2025-09-03. Review status: criteria provided, single submitter. Criteria: Invitae Variant Classification Sherloc (09022015). Collection method: clinical testing. Allele origin: germline.
Comment: This sequence change replaces aspartic acid, which is acidic and polar, with asparagine, which is neutral and polar, at codon 1066 of the SAMD9L protein (p.Asp1066Asn). This variant is present in population databases (no rsID available, gnomAD 0.003%). This variant has not been reported in the literature in individuals affected with SAMD9L-related conditions. ClinVar contains an entry for this variant (Variation ID: 1950297). Invitae Evidence Modeling of protein sequence and biophysical properties (such as structural, functional, and spatial information, amino acid conservation, physicochemical variation, residue mobility, and thermodynamic stability) indicates that this missense variant is not expected to disrupt SAMD9L protein function with a negative predictive value of 80%. In summary, the available evidence is currently insufficient to determine the role of this variant in disease. Therefore, it has been classified as a Variant of Uncertain Significance.

Ambry Genetics
Classification: Uncertain significance for Inborn genetic diseases. Last evaluated: 2025-03-15. Review status: criteria provided, single submitter. Criteria: Ambry Variant Classification Scheme 2023. Collection method: clinical testing. Allele origin: germline.
Comment: The p.D1066N variant (also known as c.3196G>A), located in coding exon 1 of the SAMD9L gene, results from a G to A substitution at nucleotide position 3196. The aspartic acid at codon 1066 is replaced by asparagine, an amino acid with highly similar properties. This amino acid position is conserved. In addition, this alteration is predicted to be tolerated by in silico analysis. Based on the available evidence, the clinical significance of this variant remains unclear.

Blueprint Genetics
Classification: Uncertain significance. Last evaluated: 2023-11-16. Review status: criteria provided, single submitter. Criteria: ACMG Guidelines, 2015. Collection method: clinical testing. Allele origin: germline.